The following is an entry in ClinVar:

ClinVar aggregate classification (germline): Pathogenic (1 of 4 stars; one submission).

Conditions:
X-linked intellectual disability Cabezas type (MRXSC). Also called: Intellectual developmental disorder, X-linked syndromic, Cabezas type; MENTAL RETARDATION, X-LINKED, SYNDROMIC 15; CABEZAS SYNDROME. Identifiers: Orphanet 85289, Orphanet 85293, MedGen C1845861, MONDO:0010306, OMIM 300354.

Submission:

Center of Genomic medicine, Geneva, University Hospital of Geneva
Classification: Pathogenic for Syndromic X-linked mental retardation, Cabezas type. Last evaluated: 2017-06-19. Review status: criteria provided, single submitter. Criteria: ACMG Guidelines, 2015. Collection method: clinical testing. Allele origin: de novo. Affected: yes.

NM_001079872.2(CUL4B):c.1404_1405del (p.Val469fs)

Gene: CUL4B (cullin 4B; minus strand). Cytogenetic location: Xq24.
Variant type: Deletion.
Coding change: c.1404_1405del on transcript NM_001079872.2 (MANE Select); coding-DNA positions 1404 to 1405, 2 bases deleted (AG; older notation c.1404_1405delAG).
Protein change: p.Val469fs; shifts the reading frame from valine 469.
Molecular consequence: frameshift variant.
Genome position (GRCh38, 1-based): chrX:120,541,640-120,541,641, CT deleted on the plus strand (AG on the coding strand, the reverse complement: CUL4B is on the minus strand); deleting any 2 consecutive bases within chrX:120,541,640-120,541,642 gives the same sequence; the c. name uses the placement nearest the transcript's 3' end. VCF-style (leftmost placement, unchanged base first): chrX-120541639-ACT-A. GRCh37 (hg19) VCF-style: chrX-119675494-ACT-A.
Other names: c.1419_1420del, p.Val474fs (NM_001330624.2); c.870_871del, p.Val291fs (NM_001369145.1); c.1458_1459del, p.Val487fs (NM_003588.4); short protein forms V291fs, V474fs, V469fs, V487fs.
Identifiers: ClinVar variation 523617 (VCV000523617.3), dbSNP rs1556206910, ClinGen allele CA658799848.